The following is an entry in ClinVar:

NM_006767.4(LZTR1):c.1879G>A (p.Glu627Lys)

Gene: LZTR1 (leucine zipper like post translational regulator 1; plus strand). Cytogenetic location: 22q11.21.
Variant type: single nucleotide variant.
Coding change: c.1879G>A on transcript NM_006767.4 (MANE Select); coding-DNA position 1879, G replaced by A.
Protein change: p.Glu627Lys; replaces glutamic acid 627 with lysine.
Molecular consequence: missense variant.
Genome position (GRCh38, 1-based): chr22:20,994,963, G>A. VCF-style: chr22-20994963-G-A. GRCh37 (hg19) VCF-style: chr22-21349252-G-A.
Other names: short protein forms E627K.
Identifiers: ClinVar variation 1781841 (VCV001781841.6), dbSNP rs751178509, ClinGen allele CA10119096.

ClinVar aggregate classification (germline): Uncertain significance. Review status: criteria provided, multiple submitters, no conflicts (2 of 4 stars). 2 submissions from 2 submitters: Uncertain significance (2). Last evaluated 2025-03-05.

Conditions:
Hereditary cancer-predisposing syndrome. Also called: Neoplastic Syndromes, Hereditary; Tumor predisposition; Hereditary Cancer Syndrome; Hereditary neoplastic syndrome. Identifiers: Orphanet 140162, MedGen C0027672, MeSH D009386, MONDO:0015356.
Cardiovascular phenotype. Identifiers: MedGen CN230736.

Allele frequency attached by ClinVar (database versions not stated): gnomAD exomes below 0.00001; ExAC 0.00001.
gnomAD v4.1: 5 of 1,613,280 alleles (0.00031%); highest among the groups gnomAD compares: East Asian, 0.0022%; no homozygotes.

Submissions (2):

Labcorp Genetics (formerly Invitae), Labcorp
Classification: Uncertain significance. Last evaluated: 2025-03-05. Review status: criteria provided, single submitter. Criteria: Invitae Variant Classification Sherloc (09022015). Collection method: clinical testing. Allele origin: germline.
Comment: This sequence change replaces glutamic acid, which is acidic and polar, with lysine, which is basic and polar, at codon 627 of the LZTR1 protein (p.Glu627Lys). This variant is present in population databases (rs751178509, gnomAD 0.002%). This variant has not been reported in the literature in individuals affected with LZTR1-related conditions. ClinVar contains an entry for this variant (Variation ID: 1781841). Invitae Evidence Modeling of protein sequence and biophysical properties (such as structural, functional, and spatial information, amino acid conservation, physicochemical variation, residue mobility, and thermodynamic stability) indicates that this missense variant is not expected to disrupt LZTR1 protein function with a negative predictive value of 80%. In summary, the available evidence is currently insufficient to determine the role of this variant in disease. Therefore, it has been classified as a Variant of Uncertain Significance.

Ambry Genetics
Classification: Uncertain significance for Cardiovascular phenotype; Hereditary cancer-predisposing syndrome. Last evaluated: 2024-07-22. Review status: criteria provided, single submitter. Criteria: Ambry Variant Classification Scheme 2023. Collection method: clinical testing. Allele origin: germline.
Comment: The p.E627K variant (also known as c.1879G>A), located in coding exon 16 of the LZTR1 gene, results from a G to A substitution at nucleotide position 1879. The glutamic acid at codon 627 is replaced by lysine, an amino acid with similar properties. This amino acid position is conserved. In addition, the in silico prediction for this alteration is inconclusive. Based on the available evidence, the clinical significance of this variant remains unclear.